The following is an entry in ClinVar:

NM_003640.5(ELP1):c.3757A>G (p.Arg1253Gly)

Gene: ELP1 (elongator acetyltransferase complex subunit 1; minus strand). Cytogenetic location: 9q31.3.
Variant type: single nucleotide variant.
Coding change: c.3757A>G on transcript NM_003640.5 (MANE Select); coding-DNA position 3757, A replaced by G.
Protein change: p.Arg1253Gly; replaces arginine 1253 with glycine.
Molecular consequence: missense variant.
Genome position (GRCh38, 1-based): chr9:108,878,093, T>C on the plus strand (A>G on the coding strand, the complement: ELP1 is on the minus strand). VCF-style: chr9-108878093-T-C. GRCh37 (hg19) VCF-style: chr9-111640373-T-C.
Other names: c.3415A>G, p.Arg1139Gly (NM_001318360.2); c.2710A>G, p.Arg904Gly (NM_001330749.2); short protein forms R1139G, R1253G, R904G.
Identifiers: ClinVar variation 967669 (VCV000967669.6), dbSNP rs760084617, ClinGen allele CA5174193.

ClinVar aggregate classification (germline): Uncertain significance. Review status: criteria provided, multiple submitters, no conflicts (2 of 4 stars). 3 submissions from 3 submitters: Uncertain significance (2). 1 of the submissions does not count toward it. Last evaluated 2023-01-26.

Conditions:
Familial dysautonomia. Also called: HSAN III; FD. Identifiers: Orphanet 1764, MedGen C0013364, MONDO:0009131, OMIM 223900. Disease mechanism: loss of function.

Allele frequency attached by ClinVar (database versions not stated): gnomAD below 0.00001 and 0.00001; ExAC 0.00001; gnomAD exomes 0.00001.
gnomAD v4.1: 13 of 1,613,044 alleles (0.00081%); highest among the groups gnomAD compares: Middle Eastern, 0.066%; 1 homozygote.

Submissions (3):

Ambry Genetics
Classification: Uncertain significance. Last evaluated: 2023-01-26. Review status: criteria provided, single submitter. Criteria: Ambry Variant Classification Scheme 2023. Collection method: clinical testing. Allele origin: germline.

Labcorp Genetics (formerly Invitae), Labcorp
Classification: Uncertain significance. Last evaluated: 2021-08-28. Review status: criteria provided, single submitter. Criteria: Invitae Variant Classification Sherloc (09022015). Collection method: clinical testing. Allele origin: germline.
Comment: This sequence change replaces arginine with glycine at codon 1253 of the ELP1 protein (p.Arg1253Gly). The arginine residue is weakly conserved and there is a moderate physicochemical difference between arginine and glycine. This variant is present in population databases (rs760084617, ExAC 0.001%). This variant has not been reported in the literature in individuals affected with ELP1-related conditions. Algorithms developed to predict the effect of missense changes on protein structure and function (SIFT, PolyPhen-2, Align-GVGD) all suggest that this variant is likely to be tolerated. In summary, the available evidence is currently insufficient to determine the role of this variant in disease. Therefore, it has been classified as a Variant of Uncertain Significance.

Natera, Inc.
Classification: Uncertain significance for Familial dysautonomia. Last evaluated: 2020-09-16. Review status: no assertion criteria provided. Collection method: clinical testing. Allele origin: germline. Not counted in ClinVar's aggregate classification.